The following is an entry in ClinVar:

NM_001177693.2(ARHGEF28):c.603A>G (p.Thr201=)

Gene: ARHGEF28 (Rho guanine nucleotide exchange factor 28; plus strand). Cytogenetic location: 5q13.2.
Variant type: single nucleotide variant.
Coding change: c.603A>G on transcript NM_001177693.2 (MANE Select); coding-DNA position 603, A replaced by G.
Protein change: p.Thr201=; no amino-acid change (threonine 201 retained).
Molecular consequence: synonymous variant.
Genome position (GRCh38, 1-based): chr5:73,773,982, A>G. VCF-style: chr5-73773982-A-G. GRCh37 (hg19) VCF-style: chr5-73069807-A-G.
Other names: c.603A>G, p.Thr201= (NM_001080479.3, NM_001388078.1); c.309A>G, p.Thr103= (NM_001388076.1).
Identifiers: ClinVar variation 730930 (VCV000730930.6), dbSNP rs373182168, ClinGen allele CA3304229.
Genomic context (GRCh38, chr5:73,773,982, plus strand): 5'-CTTCTTGTGTCTCCCGGGGGGAGTCCAGGCCTTGGCTTTACCCAACGAAGAGGGTGCCAC[A>G]CCATTAGACTTAGCTTTACGTGAAGGACACTCCAAGCTGGTGGAAGACGTCACAAAGTGA-3'
Protein context (NP_001171164.1, residues 191-211): ALALPNEEGA[Thr201=]PLDLALREGH

ClinVar aggregate classification (germline): Likely benign. Review status: criteria provided, multiple submitters, no conflicts (2 of 4 stars). 3 submissions from 3 submitters: Likely benign (2). 1 of the submissions does not count toward it. Last evaluated 2018-03-02.

Conditions:
ARHGEF28-related disorder. Also called: ARHGEF28-related condition.

Allele frequency attached by ClinVar (database versions not stated): ExAC 0.00004; ESP Exome Variant Server 0.00008; gnomAD exomes 0.00008 and 0.00009; gnomAD 0.00009 and 0.00010; TOPMed 0.00015.
gnomAD v4.1: 136 of 1,606,594 alleles (0.0085%); highest among the groups gnomAD compares: Middle Eastern, 0.05%; no homozygotes.

Submissions (3):

Labcorp Genetics (formerly Invitae), Labcorp
Classification: Likely benign. Last evaluated: 2018-03-02. Review status: criteria provided, single submitter. Criteria: Invitae Variant Classification Sherloc (09022015). Collection method: clinical testing. Allele origin: germline.

Breakthrough Genomics
Classification: Likely benign. Review status: criteria provided, single submitter. Criteria: ACMG Guidelines, 2015. Collection method: not provided. Allele origin: germline. Inheritance: Unknown mechanism. Affected: yes.

PreventionGenetics, part of Exact Sciences
Classification: Likely benign for ARHGEF28-related condition. Last evaluated: 2023-04-27. Review status: no assertion criteria provided. Collection method: clinical testing. Allele origin: germline. Not counted in ClinVar's aggregate classification.
Comment: This variant is classified as likely benign based on ACMG/AMP sequence variant interpretation guidelines (Richards et al. 2015 PMID: 25741868, with internal and published modifications).